The following is an entry in ClinVar:

ClinVar aggregate classification (germline): Uncertain significance (1 of 4 stars; one submission).

Conditions:
CHARGE syndrome (CHARGE). Also called: CHARGE ASSOCIATION--COLOBOMA, HEART ANOMALY, CHOANAL ATRESIA, RETARDATION, GENITAL AND EAR ANOMALIES; Coloboma, heart anomaly, choanal atresia, retardation, genital and ear anomalies; CHARGE association; Hall-Hittner syndrome; Hittner Hirsch Kreh syndrome. Identifiers: Orphanet 138, MedGen C0265354, MONDO:0008965.

gnomAD v4.1: 5 of 1,614,058 alleles (0.00031%); highest among the groups gnomAD compares: East Asian, 0.011%; no homozygotes.

Submission:

Labcorp Genetics (formerly Invitae), Labcorp
Classification: Uncertain significance for CHARGE syndrome. Last evaluated: 2019-05-15. Review status: criteria provided, single submitter. Criteria: Invitae Variant Classification Sherloc (09022015). Collection method: clinical testing. Allele origin: germline.
Comment: In summary, the available evidence is currently insufficient to determine the role of this variant in disease. Therefore, it has been classified as a Variant of Uncertain Significance. Algorithms developed to predict the effect of missense changes on protein structure and function are either unavailable or do not agree on the potential impact of this missense change (SIFT: "Deleterious"; PolyPhen-2: "Benign"; Align-GVGD: "Class C0"). This variant has not been reported in the literature in individuals with SEMA3E-related conditions. This variant is not present in population databases (ExAC no frequency). This sequence change replaces isoleucine with leucine at codon 415 of the SEMA3E protein (p.Ile415Leu). The isoleucine residue is highly conserved and there is a small physicochemical difference between isoleucine and leucine.

NM_012431.3(SEMA3E):c.1243A>T (p.Ile415Leu)

Gene: SEMA3E (semaphorin 3E; minus strand). Cytogenetic location: 7q21.11.
Variant type: single nucleotide variant.
Coding change: c.1243A>T on transcript NM_012431.3 (MANE Select); coding-DNA position 1243, A replaced by T.
Protein change: p.Ile415Leu; replaces isoleucine 415 with leucine.
Molecular consequence: missense variant.
Genome position (GRCh38, 1-based): chr7:83,400,151, T>A on the plus strand (A>T on the coding strand, the complement: SEMA3E is on the minus strand). VCF-style: chr7-83400151-T-A. GRCh37 (hg19) VCF-style: chr7-83029467-T-A.
Other names: c.1063A>T, p.Ile355Leu (NM_001178129.2); short protein forms I355L, I415L.
Identifiers: ClinVar variation 856085 (VCV000856085.9), dbSNP rs1180431769, ClinGen allele CA367927533.